The following is an entry in ClinVar:

NM_024408.4(NOTCH2):c.1803C>T (p.Gly601=)

Gene: NOTCH2 (notch receptor 2; minus strand). Cytogenetic location: 1p12.
Variant type: single nucleotide variant.
Coding change: c.1803C>T on transcript NM_024408.4 (MANE Select); coding-DNA position 1803, C replaced by T.
Protein change: p.Gly601=; no amino-acid change (glycine 601 retained).
Molecular consequence: synonymous variant.
Genome position (GRCh38, 1-based): chr1:119,963,686, G>A on the plus strand (C>T on the coding strand, the complement: NOTCH2 is on the minus strand). VCF-style: chr1-119963686-G-A. GRCh37 (hg19) VCF-style: chr1-120506309-G-A.
Other names: c.1803C>T (NM_024408.3); c.1803C>T, p.Gly601= (NM_001200001.2).
Identifiers: ClinVar variation 1580348 (VCV001580348.11), dbSNP rs377566312, ClinGen allele CA1040451.

ClinVar aggregate classification (germline): Likely benign. Review status: criteria provided, multiple submitters, no conflicts (2 of 4 stars). 3 submissions from 3 submitters: Likely benign (2). 1 of the submissions does not count toward it. Last evaluated 2025-08-23.

Conditions:
Alagille syndrome due to a NOTCH2 point mutation. Also called: Alagille syndrome 2. Identifiers: Orphanet 261629, Orphanet 52, MedGen C1857761, MONDO:0012439, OMIM 610205.
Hajdu-Cheney syndrome (HJCYS). Also called: ACROOSTEOLYSIS WITH OSTEOPOROSIS AND CHANGES IN SKULL AND MANDIBLE; Acroosteolysis dominant type; SERPENTINE FIBULA-POLYCYSTIC KIDNEY SYNDROME. Identifiers: Orphanet 955, MedGen C0917715, MONDO:0007057, OMIM 102500.
NOTCH2-related disorder. Also called: NOTCH2-related condition.

Allele frequency attached by ClinVar (database versions not stated): gnomAD 0.00006 and 0.00007; gnomAD exomes 0.00007 and 0.00004; 1000 Genomes Project 0.00020; ExAC 0.00005; 1000 Genomes Project 30x 0.00016; TOPMed 0.00012; ESP Exome Variant Server 0.00015.
gnomAD v4.1: 74 of 1,614,122 alleles (0.0046%); highest among the groups gnomAD compares: Admixed American, 0.017%; no homozygotes.

Submissions (3):

Labcorp Genetics (formerly Invitae), Labcorp
Classification: Likely benign for Hajdu-Cheney syndrome. Last evaluated: 2025-08-23. Review status: criteria provided, single submitter. Criteria: Invitae Variant Classification Sherloc (09022015). Collection method: clinical testing. Allele origin: germline.

Fulgent Genetics
Classification: Likely benign for Hajdu-Cheney syndrome; Alagille syndrome due to a NOTCH2 point mutation. Last evaluated: 2021-09-08. Review status: criteria provided, single submitter. Criteria: ACMG Guidelines, 2015. Collection method: clinical testing. Allele origin: unknown.

PreventionGenetics, part of Exact Sciences
Classification: Likely benign for NOTCH2-related condition. Last evaluated: 2019-06-28. Review status: no assertion criteria provided. Collection method: clinical testing. Allele origin: germline. Not counted in ClinVar's aggregate classification.
Comment: This variant is classified as likely benign based on ACMG/AMP sequence variant interpretation guidelines (Richards et al. 2015 PMID: 25741868, with internal and published modifications).